The following is an entry in ClinVar:

ClinVar aggregate classification (germline): Uncertain significance (1 of 4 stars; one submission).

Conditions:
Neuronal ceroid lipofuscinosis 11. Also called: GRN-Related Neuronal Ceroid-Lipofuscinosis. Identifiers: Orphanet 314629, Orphanet 79262, MedGen C3539123, MONDO:0013866, OMIM 614706.
GRN-related frontotemporal lobar degeneration with Tdp43 inclusions (FTD2). Also called: GRN Frontotemporal Dementia; FRONTOTEMPORAL DEMENTIA WITH TDP43 INCLUSIONS, GRN-RELATED; DEMENTIA, HEREDITARY DYSPHASIC DISINHIBITION; FRONTOTEMPORAL LOBAR DEGENERATION WITH UBIQUITIN-POSITIVE INCLUSIONS; FTLD-TDP, GRN-RELATED. Identifiers: Orphanet 100070, Orphanet 282, MedGen C1843792, MONDO:0011842, OMIM 607485. Disease mechanism: loss of function.

Allele frequency attached by ClinVar (database versions not stated): TOPMed 0.00003; gnomAD exomes 0.00004; 1000 Genomes Project 30x 0.00016; 1000 Genomes Project 0.00020; gnomAD 0.00002; ExAC 0.00003.
gnomAD v4.1: 56 of 1,611,700 alleles (0.0035%); highest among the groups gnomAD compares: Non-Finnish European, 0.0045%; no homozygotes.

Submission:

Labcorp Genetics (formerly Invitae), Labcorp
Classification: Uncertain significance for Neuronal ceroid lipofuscinosis 11; GRN-related frontotemporal lobar degeneration with Tdp43 inclusions. Last evaluated: 2025-12-29. Review status: criteria provided, single submitter. Criteria: Invitae Variant Classification Sherloc (09022015). Collection method: clinical testing. Allele origin: germline.
Comment: This sequence change affects codon 578 of the GRN mRNA. It is a 'silent' change, meaning that it does not change the encoded amino acid sequence of the GRN protein. This variant is present in population databases (rs564341596, gnomAD 0.004%). This variant has been observed in individual(s) with clinical features of autosomal dominant GRN-related conditions (PMID: 19158106). ClinVar contains an entry for this variant (Variation ID: 1932898). Studies have shown that this variant does not significantly alter or has an unclear effect on GRN gene expression (PMID: 19158106). Algorithms developed to predict the effect of sequence changes on RNA splicing suggest that this variant is not likely to affect RNA splicing. In summary, the available evidence is currently insufficient to determine the role of this variant in disease. Therefore, it has been classified as a Variant of Uncertain Significance.

Literature cited by the submitters: PubMed 19158106.

NM_002087.4(GRN):c.1734G>A (p.Pro578=)

Gene: GRN (granulin precursor; plus strand). Cytogenetic location: 17q21.31.
Variant type: single nucleotide variant.
Coding change: c.1734G>A on transcript NM_002087.4 (MANE Select); coding-DNA position 1734, G replaced by A.
Protein change: p.Pro578=; no amino-acid change (proline 578 retained).
Molecular consequence: synonymous variant.
Genome position (GRCh38, 1-based): chr17:44,352,750, G>A. VCF-style: chr17-44352750-G-A. GRCh37 (hg19) VCF-style: chr17-42430118-G-A.
Identifiers: ClinVar variation 1932898 (VCV001932898.5), dbSNP rs564341596, ClinGen allele CA8602288.